The following is an entry in ClinVar:

NM_003738.5(PTCH2):c.966G>A (p.Leu322=)

Gene: PTCH2 (patched 2; minus strand). Cytogenetic location: 1p34.1.
Variant type: single nucleotide variant.
Coding change: c.966G>A on transcript NM_003738.5 (MANE Select); coding-DNA position 966, G replaced by A.
Protein change: p.Leu322=; no amino-acid change (leucine 322 retained).
Molecular consequence: synonymous variant.
Genome position (GRCh38, 1-based): chr1:44,829,731, C>T on the plus strand (G>A on the coding strand, the complement: PTCH2 is on the minus strand). VCF-style: chr1-44829731-C-T. GRCh37 (hg19) VCF-style: chr1-45295403-C-T.
Other names: c.966G>A, p.Leu322= (NM_001166292.2).
Identifiers: ClinVar variation 4534487 (VCV004534487.6).

ClinVar aggregate classification (germline): Likely benign (1 of 4 stars; one submission).

gnomAD v4.1: 1 of 1,614,242 alleles (0.000062%); highest among the groups gnomAD compares: South Asian, 0.0011%; no homozygotes.

Submission:

CeGaT Center for Human Genetics Tuebingen
Classification: Likely benign. Last evaluated: 2025-10-01. Review status: criteria provided, single submitter. Criteria: CeGaT Center For Human Genetics Tuebingen Variant Classification Criteria Version 2. Collection method: clinical testing. Allele origin: germline. Affected: yes. Observed: 1 variant allele.
Comment: PTCH2: BP4, BP7